The following is an entry in ClinVar:

ClinVar aggregate classification (germline): Likely benign. Review status: criteria provided, multiple submitters, no conflicts (2 of 4 stars). 2 submissions from 2 submitters: Likely benign (2). Last evaluated 2024-12-08.

Allele frequency attached by ClinVar (database versions not stated): gnomAD exomes below 0.00001; gnomAD 0.00002; TOPMed 0.00002; ExAC 0.00003; ESP Exome Variant Server 0.00008.
gnomAD v4.1: 8 of 1,606,922 alleles (0.0005%); highest among the groups gnomAD compares: African/African-American, 0.004%; no homozygotes.

Submissions (2):

Labcorp Genetics (formerly Invitae), Labcorp
Classification: Likely benign. Last evaluated: 2024-12-08. Review status: criteria provided, single submitter. Criteria: Invitae Variant Classification Sherloc (09022015). Collection method: clinical testing. Allele origin: germline.

CeGaT Center for Human Genetics Tuebingen
Classification: Likely benign. Last evaluated: 2024-01-01. Review status: criteria provided, single submitter. Criteria: CeGaT Center For Human Genetics Tuebingen Variant Classification Criteria Version 2. Collection method: clinical testing. Allele origin: germline. Affected: yes. Observed: 1 variant allele.
Comment: TELO2: BP4, BP7

NM_016111.4(TELO2):c.1077C>T (p.His359=)

Gene: TELO2 (telomere maintenance 2; plus strand). Cytogenetic location: 16p13.3.
Variant type: single nucleotide variant.
Coding change: c.1077C>T on transcript NM_016111.4 (MANE Select); coding-DNA position 1077, C replaced by T.
Protein change: p.His359=; no amino-acid change (histidine 359 retained).
Molecular consequence: synonymous variant.
Genome position (GRCh38, 1-based): chr16:1,500,421, C>T. VCF-style: chr16-1500421-C-T. GRCh37 (hg19) VCF-style: chr16-1550422-C-T.
Other names: c.1077C>T, p.His359= (NM_001351846.2).
Identifiers: ClinVar variation 2980513 (VCV002980513.25), dbSNP rs375335497, ClinGen allele CA7811933.